The following is an entry in ClinVar:

ClinVar aggregate classification (germline): Benign. Review status: criteria provided, multiple submitters, no conflicts (2 of 4 stars). 2 submissions from 2 submitters: Benign (2). Last evaluated 2017-04-27.

Conditions:
Isolated microphthalmia 3 (MCOPS16). Also called: MICROPHTHALMIA, SYNDROMIC 16. Identifiers: Orphanet 2542, MedGen C5774181, MONDO:0012604, OMIM 611038.

Allele frequency attached by ClinVar (database versions not stated): 1000 Genomes Project 0.00839; 1000 Genomes Project 30x 0.00890; TOPMed 0.01744; gnomAD 0.01805 and 0.01838; gnomAD exomes 0.07143.
gnomAD v4.1: 2,770 of 152,334 alleles (1.8%); highest among the groups gnomAD compares: Non-Finnish European, 2.8%; 32 homozygotes.

Submissions (2):

Illumina Laboratory Services, Illumina
Classification: Benign for Isolated microphthalmia 3. Last evaluated: 2017-04-27. Review status: criteria provided, single submitter. Criteria: ICSL Variant Classification Criteria 13 December 2019. Collection method: clinical testing. Allele origin: germline.
Comment: This variant was observed as part of a predisposition screen in an ostensibly healthy population. A literature search was performed for the gene, cDNA change, and amino acid change (where applicable). No publications were found based on this search. Allele frequency data from public databases was too high to be consistent with this variant causing disease. Therefore, this variant is classified as benign.

Breakthrough Genomics
Classification: Benign. Review status: criteria provided, single submitter. Criteria: ACMG Guidelines, 2015. Collection method: not provided. Allele origin: germline. Inheritance: Autosomal recessive inheritance. Affected: yes.

NM_013435.3(RAX):c.*1564T>C

Gene: RAX (retina and anterior neural fold homeobox; minus strand). Cytogenetic location: 18q21.32.
Variant type: single nucleotide variant.
Coding change: c.*1564T>C on transcript NM_013435.3 (MANE Select); 1564 bases downstream of the stop codon, T replaced by C.
Molecular consequence: 3 prime UTR variant.
Genome position (GRCh38, 1-based): chr18:59,267,440, A>G on the plus strand (T>C on the coding strand, the complement: RAX is on the minus strand). VCF-style: chr18-59267440-A-G. GRCh37 (hg19) VCF-style: chr18-56934672-A-G.
Identifiers: ClinVar variation 889741 (VCV000889741.5), dbSNP rs45567434, ClinGen allele CA300979347.